The following is an entry in ClinVar:

NM_018180.3(DHX32):c.385C>T (p.Arg129Trp)

Gene: DHX32 (DEAH-box helicase 32 (putative); minus strand). Cytogenetic location: 10q26.2.
Variant type: single nucleotide variant.
Coding change: c.385C>T on transcript NM_018180.3 (MANE Select); coding-DNA position 385, C replaced by T.
Protein change: p.Arg129Trp; replaces arginine 129 with tryptophan.
Molecular consequence: missense variant.
Genome position (GRCh38, 1-based): chr10:125,867,081, G>A on the plus strand (C>T on the coding strand, the complement: DHX32 is on the minus strand). VCF-style: chr10-125867081-G-A. GRCh37 (hg19) VCF-style: chr10-127555650-G-A.
Other names: short protein forms R129W.
Identifiers: ClinVar variation 2113053 (VCV002113053.4), dbSNP rs765264694, ClinGen allele CA5739469.

ClinVar aggregate classification (germline): Uncertain significance (1 of 4 stars; one submission).

Allele frequency attached by ClinVar (database versions not stated): gnomAD exomes below 0.00001; ExAC 0.00001; gnomAD 0.00001; TOPMed 0.00001.
gnomAD v4.1: 7 of 1,614,060 alleles (0.00043%); highest among the groups gnomAD compares: African/African-American, 0.0013%; no homozygotes.

Submission:

Labcorp Genetics (formerly Invitae), Labcorp
Classification: Uncertain significance. Last evaluated: 2022-11-03. Review status: criteria provided, single submitter. Criteria: Invitae Variant Classification Sherloc (09022015). Collection method: clinical testing. Allele origin: germline.
Comment: This sequence change replaces arginine, which is basic and polar, with tryptophan, which is neutral and slightly polar, at codon 129 of the DHX32 protein (p.Arg129Trp). This variant is present in population databases (rs765264694, gnomAD 0.004%). This variant has not been reported in the literature in individuals affected with DHX32-related conditions. Algorithms developed to predict the effect of missense changes on protein structure and function (SIFT, PolyPhen-2, Align-GVGD) all suggest that this variant is likely to be disruptive. In summary, the available evidence is currently insufficient to determine the role of this variant in disease. Therefore, it has been classified as a Variant of Uncertain Significance.